The following is an entry in ClinVar:

NM_176787.5(PIGN):c.1415G>A (p.Gly472Asp)

Gene: PIGN (phosphatidylinositol glycan anchor biosynthesis class N; minus strand). Cytogenetic location: 18q21.33.
Variant type: single nucleotide variant.
Coding change: c.1415G>A on transcript NM_176787.5 (MANE Select); coding-DNA position 1415, G replaced by A.
Protein change: p.Gly472Asp; replaces glycine 472 with aspartic acid.
Molecular consequence: missense variant.
Genome position (GRCh38, 1-based): chr18:62,113,153, C>T on the plus strand (G>A on the coding strand, the complement: PIGN is on the minus strand). VCF-style: chr18-62113153-C-T. GRCh37 (hg19) VCF-style: chr18-59780386-C-T.
Other names: c.1415G>A, p.Gly472Asp (NM_012327.6); c.1415G>A (NM_176787.4); short protein forms G472D.
Identifiers: ClinVar variation 1425793 (VCV001425793.7), dbSNP rs113621756, ClinGen allele CA8982304.
Genomic context (GRCh38, chr18:62,113,153, plus strand): 5'-TTTTATACCATCATCTGAATCCTCACATTTTCTAAACGTACCTTCACTTCTTTACTAACA[C>T]CTTTTATAAGGTTGGAATGAGACTTGATGATCAACAAAGAGGCATAAGATATCCATCCCA-3'
Protein context (NP_789744.1, residues 462-482): IIKSHSNLIK[Gly472Asp]VSKEVKKPSH

ClinVar aggregate classification (germline): Uncertain significance. Review status: criteria provided, multiple submitters, no conflicts (2 of 4 stars). 2 submissions from 2 submitters: Uncertain significance (2). Last evaluated 2026-08-20.

Conditions:
Multiple congenital anomalies-hypotonia-seizures syndrome 1 (MCAHS1). Also called: PIGN-CDG; Congenital disorder of glycosylation due to PIGN deficiency; GLYCOSYLPHOSPHATIDYLINOSITOL BIOSYNTHESIS DEFECT 3. Identifiers: Orphanet 280633, MedGen C3279775, MONDO:0013563, OMIM 614080.
PIGN-related disorder. Also called: PIGN-related condition.

gnomAD v4.1: 1 of 1,609,508 alleles (0.000062%); no homozygotes.

Submissions (2):

PreventionGenetics, part of Exact Sciences
Classification: Uncertain significance for PIGN-related condition. Last evaluated: 2026-08-20. Review status: criteria provided, single submitter. Criteria: ACMG Guidelines, 2015. Collection method: clinical testing. Allele origin: germline.
Comment: The PIGN c.1415G>A variant is predicted to result in the amino acid substitution p.Gly472Asp. To our knowledge, this variant has not been reported in the literature. This variant is reported in 0.0067% of alleles in individuals of African descent in gnomAD. At this time, the clinical significance of this variant is uncertain due to the absence of conclusive functional and genetic evidence.

Labcorp Genetics (formerly Invitae), Labcorp
Classification: Uncertain significance for Multiple congenital anomalies-hypotonia-seizures syndrome 1. Last evaluated: 2022-02-09. Review status: criteria provided, single submitter. Criteria: Invitae Variant Classification Sherloc (09022015). Collection method: clinical testing. Allele origin: germline.
Comment: This sequence change replaces glycine, which is neutral and non-polar, with aspartic acid, which is acidic and polar, at codon 472 of the PIGN protein (p.Gly472Asp). This variant is present in population databases (rs113621756, gnomAD 0.007%). This variant has not been reported in the literature in individuals affected with PIGN-related conditions. Algorithms developed to predict the effect of missense changes on protein structure and function (SIFT, PolyPhen-2, Align-GVGD) all suggest that this variant is likely to be tolerated. In summary, the available evidence is currently insufficient to determine the role of this variant in disease. Therefore, it has been classified as a Variant of Uncertain Significance.